The following is an entry in ClinVar:

ClinVar aggregate classification (germline): Likely benign (0 of 4 stars; one submission).

Conditions:
SEMA3E-related disorder. Also called: SEMA3E-related condition.

gnomAD v4.1: 1 of 1,613,952 alleles (0.000062%); highest among the groups gnomAD compares: Non-Finnish European, 0.000085%; no homozygotes.

Submission:

PreventionGenetics, part of Exact Sciences
Classification: Likely benign for SEMA3E-related condition. Last evaluated: 2023-02-02. Review status: no assertion criteria provided. Collection method: clinical testing. Allele origin: germline.
Comment: This variant is classified as likely benign based on ACMG/AMP sequence variant interpretation guidelines (Richards et al. 2015 PMID: 25741868, with internal and published modifications).

NM_012431.3(SEMA3E):c.2163C>T (p.Asn721=)

Gene: SEMA3E (semaphorin 3E; minus strand). Cytogenetic location: 7q21.11.
Variant type: single nucleotide variant.
Coding change: c.2163C>T on transcript NM_012431.3 (MANE Select); coding-DNA position 2163, C replaced by T.
Protein change: p.Asn721=; no amino-acid change (asparagine 721 retained).
Molecular consequence: synonymous variant.
Genome position (GRCh38, 1-based): chr7:83,367,751, G>A on the plus strand (C>T on the coding strand, the complement: SEMA3E is on the minus strand). VCF-style: chr7-83367751-G-A. GRCh37 (hg19) VCF-style: chr7-82997067-G-A.
Other names: c.1983C>T, p.Asn661= (NM_001178129.2).
Identifiers: ClinVar variation 3356812 (VCV003356812.1).